The following is an entry in ClinVar:

NM_001384732.1(CPLANE1):c.5054T>G (p.Ile1685Ser)

Gene: CPLANE1 (ciliogenesis and planar polarity effector complex subunit 1; minus strand). Cytogenetic location: 5p13.2.
Variant type: single nucleotide variant.
Coding change: c.5054T>G on transcript NM_001384732.1 (MANE Select); coding-DNA position 5054, T replaced by G.
Protein change: p.Ile1685Ser; replaces isoleucine 1685 with serine.
Molecular consequence: missense variant.
Genome position (GRCh38, 1-based): chr5:37,183,127, A>C on the plus strand (T>G on the coding strand, the complement: CPLANE1 is on the minus strand). VCF-style: chr5-37183127-A-C. GRCh37 (hg19) VCF-style: chr5-37183229-A-C.
Other names: c.5054T>G, p.Ile1685Ser (NM_023073.4); short protein forms I1685S.
Identifiers: ClinVar variation 1038141 (VCV001038141.8), dbSNP rs750439635, ClinGen allele CA359494359.

ClinVar aggregate classification (germline): Uncertain significance (1 of 4 stars; one submission).

Submission:

Labcorp Genetics (formerly Invitae), Labcorp
Classification: Uncertain significance. Last evaluated: 2023-07-17. Review status: criteria provided, single submitter. Criteria: Invitae Variant Classification Sherloc (09022015). Collection method: clinical testing. Allele origin: germline.
Comment: This variant is not present in population databases (gnomAD no frequency). This sequence change replaces isoleucine, which is neutral and non-polar, with serine, which is neutral and polar, at codon 1685 of the CPLANE1 protein (p.Ile1685Ser). This variant has not been reported in the literature in individuals affected with CPLANE1-related conditions. ClinVar contains an entry for this variant (Variation ID: 1038141). Advanced modeling of protein sequence and biophysical properties (such as structural, functional, and spatial information, amino acid conservation, physicochemical variation, residue mobility, and thermodynamic stability) performed at Invitae indicates that this missense variant is not expected to disrupt CPLANE1 protein function. In summary, the available evidence is currently insufficient to determine the role of this variant in disease. Therefore, it has been classified as a Variant of Uncertain Significance.